The following is an entry in ClinVar:

ClinVar aggregate classification (germline): Uncertain significance. Review status: criteria provided, multiple submitters, no conflicts (2 of 4 stars). 2 submissions from 2 submitters: Uncertain significance (2). Last evaluated 2022-10-24.

Conditions:
Inborn genetic diseases. Identifiers: MedGen C0950123, MeSH D030342.
Eichsfeld type congenital muscular dystrophy (CMYO3). Also called: MYOPATHY, SEPN1-RELATED; Rigid spine muscular dystrophy 1; SELENON-related myopathy; Congenital myopathy 3 with rigid spine. Identifiers: MedGen C0410180, MONDO:0100100, OMIM 602771.

Allele frequency attached by ClinVar (database versions not stated): gnomAD 0.00001; TOPMed 0.00002; gnomAD exomes 0.00003 and 0.00004; ExAC 0.00004.
gnomAD v4.1: 65 of 1,613,936 alleles (0.004%); highest among the groups gnomAD compares: South Asian, 0.023%; 1 homozygote.

Submissions (2):

Labcorp Genetics (formerly Invitae), Labcorp
Classification: Uncertain significance for Eichsfeld type congenital muscular dystrophy. Last evaluated: 2022-10-24. Review status: criteria provided, single submitter. Criteria: Invitae Variant Classification Sherloc (09022015). Collection method: clinical testing. Allele origin: germline.
Comment: This sequence change replaces glutamine, which is neutral and polar, with arginine, which is basic and polar, at codon 312 of the SELENON protein (p.Gln312Arg). This variant is present in population databases (rs775897489, gnomAD 0.02%). This variant has not been reported in the literature in individuals affected with SELENON-related conditions. ClinVar contains an entry for this variant (Variation ID: 579099). Advanced modeling of protein sequence and biophysical properties (such as structural, functional, and spatial information, amino acid conservation, physicochemical variation, residue mobility, and thermodynamic stability) has been performed at Invitae for this missense variant, however the output from this modeling did not meet the statistical confidence thresholds required to predict the impact of this variant on SELENON protein function. Algorithms developed to predict the effect of sequence changes on RNA splicing suggest that this variant may disrupt the consensus splice site. In summary, the available evidence is currently insufficient to determine the role of this variant in disease. Therefore, it has been classified as a Variant of Uncertain Significance.

Ambry Genetics
Classification: Uncertain significance for Inborn genetic diseases. Last evaluated: 2021-07-13. Review status: criteria provided, single submitter. Criteria: Ambry Variant Classification Scheme 2023. Collection method: clinical testing. Allele origin: germline.

NM_206926.2(SELENON):c.833A>G (p.Gln278Arg)

Gene: SELENON (selenoprotein N; plus strand). Cytogenetic location: 1p36.11.
Variant type: single nucleotide variant.
Coding change: c.833A>G on transcript NM_206926.2 (MANE Select); coding-DNA position 833, A replaced by G.
Protein change: p.Gln278Arg; replaces glutamine 278 with arginine.
Molecular consequence: missense variant.
Genome position (GRCh38, 1-based): chr1:25,809,745, A>G. VCF-style: chr1-25809745-A-G. GRCh37 (hg19) VCF-style: chr1-26136236-A-G.
Other names: c.935A>G, p.Gln312Arg (NM_020451.3); short protein forms Q312R, Q278R.
Identifiers: ClinVar variation 579099 (VCV000579099.7), dbSNP rs775897489, ClinGen allele CA696689.